The following is an entry in ClinVar:

ClinVar aggregate classification (germline): Uncertain significance (1 of 4 stars; one submission).

Allele frequency attached by ClinVar (database versions not stated): gnomAD exomes below 0.00001.
gnomAD v4.1: 1 of 1,603,600 alleles (0.000062%); highest among the groups gnomAD compares: African/African-American, 0.0013%; no homozygotes.

Submission:

Labcorp Genetics (formerly Invitae), Labcorp
Classification: Uncertain significance. Last evaluated: 2021-08-17. Review status: criteria provided, single submitter. Criteria: Invitae Variant Classification Sherloc (09022015). Collection method: clinical testing. Allele origin: germline.
Comment: This sequence change replaces phenylalanine with leucine at codon 57 of the C8orf37 protein (p.Phe57Leu). The phenylalanine residue is moderately conserved and there is a small physicochemical difference between phenylalanine and leucine. This variant is not present in population databases (ExAC no frequency). This variant has not been reported in the literature in individuals with C8orf37-related conditions. Algorithms developed to predict the effect of missense changes on protein structure and function output the following: SIFT: "Tolerated"; PolyPhen-2: "Benign"; Align-GVGD: "Class C0". The leucine amino acid residue is found in multiple mammalian species, suggesting that this missense change does not adversely affect protein function. These predictions have not been confirmed by published functional studies and their clinical significance is uncertain. In summary, the available evidence is currently insufficient to determine the role of this variant in disease. Therefore, it has been classified as a Variant of Uncertain Significance.

NM_177965.4(CFAP418):c.171T>A (p.Phe57Leu)

Gene: CFAP418 (cilia and flagella associated protein 418; minus strand). Cytogenetic location: 8q22.1.
Variant type: single nucleotide variant.
Coding change: c.171T>A on transcript NM_177965.4 (MANE Select); coding-DNA position 171, T replaced by A.
Protein change: p.Phe57Leu; replaces phenylalanine 57 with leucine.
Molecular consequence: missense variant.
Genome position (GRCh38, 1-based): chr8:95,263,759, A>T on the plus strand (T>A on the coding strand, the complement: CFAP418 is on the minus strand). VCF-style: chr8-95263759-A-T. GRCh37 (hg19) VCF-style: chr8-96275987-A-T.
Other names: c.171T>A, p.Phe57Leu (NM_001363260.1); short protein forms F57L.
Identifiers: ClinVar variation 1050979 (VCV001050979.9), dbSNP rs2132164418, ClinGen allele CA371837678.